The following is an entry in ClinVar:

NM_152564.5(VPS13B):c.2180A>G (p.His727Arg)

Gene: VPS13B (vacuolar protein sorting 13 homolog B; plus strand). Cytogenetic location: 8q22.2.
Variant type: single nucleotide variant.
Coding change: c.2180A>G on transcript NM_152564.5 (MANE Select); coding-DNA position 2180, A replaced by G.
Protein change: p.His727Arg; replaces histidine 727 with arginine.
Molecular consequence: missense variant.
Genome position (GRCh38, 1-based): chr8:99,156,715, A>G. VCF-style: chr8-99156715-A-G. GRCh37 (hg19) VCF-style: chr8-100168943-A-G.
Other names: c.2180A>G, p.His727Arg (NM_015243.3, NM_017890.5); c.2180A>G (NM_152564.4); short protein forms H727R.
Identifiers: ClinVar variation 846946 (VCV000846946.10), dbSNP rs1436936380, ClinGen allele CA371865203.

ClinVar aggregate classification (germline): Uncertain significance. Review status: criteria provided, multiple submitters, no conflicts (2 of 4 stars). 4 submissions from 4 submitters: Uncertain significance (3). 1 of the submissions does not count toward it. Last evaluated 2026-09-02.

Conditions:
Cohen syndrome (COH1). Also called: PEPPER SYNDROME; Cutis verticis gyrata, retinitis pigmentosa, and sensorineural deafness. Identifiers: Orphanet 193, MedGen C0265223, MONDO:0008999, OMIM 216550.
VPS13B-related disorder. Also called: VPS13B-related condition.

Allele frequency attached by ClinVar (database versions not stated): gnomAD exomes below 0.00001; gnomAD 0.00001; TOPMed 0.00001.
gnomAD v4.1: 5 of 1,613,900 alleles (0.00031%); highest among the groups gnomAD compares: Admixed American, 0.0017%; no homozygotes.

Submissions (4):

PreventionGenetics, part of Exact Sciences
Classification: Uncertain significance for VPS13B-related condition. Last evaluated: 2026-09-02. Review status: criteria provided, single submitter. Criteria: ACMG Guidelines, 2015. Collection method: clinical testing. Allele origin: germline.
Comment: The VPS13B c.2180A>G variant is predicted to result in the amino acid substitution p.His727Arg. To our knowledge, this variant has not been reported in the literature. This variant is reported in 0.0028% of alleles in individuals of Latino descent in gnomAD. At this time, the clinical significance of this variant is uncertain due to the absence of conclusive functional and genetic evidence.

Labcorp Genetics (formerly Invitae), Labcorp
Classification: Uncertain significance for Cohen syndrome. Last evaluated: 2024-11-05. Review status: criteria provided, single submitter. Criteria: Invitae Variant Classification Sherloc (09022015). Collection method: clinical testing. Allele origin: germline.
Comment: This sequence change replaces histidine, which is basic and polar, with arginine, which is basic and polar, at codon 727 of the VPS13B protein (p.His727Arg). This variant is present in population databases (no rsID available, gnomAD 0.003%). This variant has not been reported in the literature in individuals affected with VPS13B-related conditions. ClinVar contains an entry for this variant (Variation ID: 846946). Invitae Evidence Modeling of protein sequence and biophysical properties (such as structural, functional, and spatial information, amino acid conservation, physicochemical variation, residue mobility, and thermodynamic stability) indicates that this missense variant is expected to disrupt VPS13B protein function with a positive predictive value of 80%. In summary, the available evidence is currently insufficient to determine the role of this variant in disease. Therefore, it has been classified as a Variant of Uncertain Significance.

New York Genome Center
Classification: Uncertain significance for Cohen syndrome. Last evaluated: 2021-05-07. Review status: criteria provided, single submitter. Criteria: NYGC Assertion Criteria 2020. Collection method: clinical testing. Allele origin: inherited. Observed: 1 compound heterozygote. Study: CSER-NYCKidSeq.

Natera, Inc.
Classification: Uncertain significance for Cohen syndrome. Last evaluated: 2021-09-17. Review status: no assertion criteria provided. Collection method: clinical testing. Allele origin: germline. Not counted in ClinVar's aggregate classification.